The following is an entry in ClinVar:

ClinVar aggregate classification (germline): Uncertain significance (1 of 4 stars; one submission).

Submission:

GeneDx
Classification: Uncertain significance. Last evaluated: 2025-02-04. Review status: criteria provided, single submitter. Criteria: GeneDx Variant Classification Process June 2021. Collection method: clinical testing. Allele origin: germline. Affected: yes.
Comment: In-frame deletion of 1amino acid(s) in a non-repeat region; In silico analysis indicates that this variant does not alter protein structure/function; Has not been previously published as pathogenic or benign to our knowledge; Variants in candidate genes are classified as variants of uncertain significance in accordance with ACMG guidelines (PMID: 25741868)

NM_033026.6(PCLO):c.6787_6789del (p.Val2263del)

Gene: PCLO (piccolo presynaptic cytomatrix protein; minus strand). Cytogenetic location: 7q21.11.
Variant type: Deletion.
Coding change: c.6787_6789del on transcript NM_033026.6 (MANE Select); coding-DNA positions 6787 to 6789, 3 bases deleted (GTT; older notation c.6787_6789delGTT).
Protein change: p.Val2263del; deletes valine 2263.
Genome position (GRCh38, 1-based): chr7:82,954,164-82,954,166, AAC deleted on the plus strand (GTT on the coding strand, the reverse complement: PCLO is on the minus strand); deleting any 3 consecutive bases within chr7:82,954,164-82,954,168 gives the same sequence; the c. name uses the placement nearest the transcript's 3' end. VCF-style (leftmost placement, unchanged base first): chr7-82954163-TAAC-T. GRCh37 (hg19) VCF-style: chr7-82583479-TAAC-T.
Other names: c.6787_6789del, p.Val2263del (NM_014510.3); short protein forms V2263del.
Identifiers: ClinVar variation 4072821 (VCV004072821.1).